The following is an entry in ClinVar:

ClinVar aggregate classification (germline): Uncertain significance (1 of 4 stars; one submission).

Conditions:
Gastrointestinal stromal tumor. Also called: Gastrointestinal stromal tumor, somatic; Gastrointestinal stroma tumor. Identifiers: Orphanet 44890, MedGen C0238198, MeSH D046152, MONDO:0011719, OMIM 606764, HP:0100723.

Submission:

Labcorp Genetics (formerly Invitae), Labcorp
Classification: Uncertain significance for Gastrointestinal stromal tumor. Last evaluated: 2024-05-15. Review status: criteria provided, single submitter. Criteria: Invitae Variant Classification Sherloc (09022015). Collection method: clinical testing. Allele origin: germline.
Comment: This sequence change replaces asparagine, which is neutral and polar, with isoleucine, which is neutral and non-polar, at codon 240 of the PDGFRA protein (p.Asn240Ile). This variant is not present in population databases (gnomAD no frequency). This variant has not been reported in the literature in individuals affected with PDGFRA-related conditions. Advanced modeling of protein sequence and biophysical properties (such as structural, functional, and spatial information, amino acid conservation, physicochemical variation, residue mobility, and thermodynamic stability) performed at Invitae indicates that this missense variant is not expected to disrupt PDGFRA protein function with a negative predictive value of 80%. In summary, the available evidence is currently insufficient to determine the role of this variant in disease. Therefore, it has been classified as a Variant of Uncertain Significance.

NM_006206.6(PDGFRA):c.719A>T (p.Asn240Ile)

Gene: PDGFRA (platelet derived growth factor receptor alpha; plus strand). Cytogenetic location: 4q12.
Variant type: single nucleotide variant.
Coding change: c.719A>T on transcript NM_006206.6 (MANE Select); coding-DNA position 719, A replaced by T.
Protein change: p.Asn240Ile; replaces asparagine 240 with isoleucine.
Molecular consequence: missense variant.
Genome position (GRCh38, 1-based): chr4:54,265,009, A>T. VCF-style: chr4-54265009-A-T. GRCh37 (hg19) VCF-style: chr4-55131176-A-T.
Other names: c.719A>T, p.Asn240Ile (NM_001347827.2, NM_001347829.2); c.794A>T, p.Asn265Ile (NM_001347828.2); c.758A>T, p.Asn253Ile (NM_001347830.2); short protein forms N265I, N253I, N240I.
Identifiers: ClinVar variation 3653434 (VCV003653434.2).